The following is an entry in ClinVar:

ClinVar aggregate classification (germline): Uncertain significance (1 of 4 stars; one submission).

Allele frequency attached by ClinVar (database versions not stated): TOPMed below 0.00001.
gnomAD v4.1: 18 of 1,606,136 alleles (0.0011%); highest among the groups gnomAD compares: Non-Finnish European, 0.0015%; no homozygotes.

Submission:

Labcorp Genetics (formerly Invitae), Labcorp
Classification: Uncertain significance. Last evaluated: 2021-06-15. Review status: criteria provided, single submitter. Criteria: Invitae Variant Classification Sherloc (09022015). Collection method: clinical testing. Allele origin: germline.
Comment: In summary, the available evidence is currently insufficient to determine the role of this variant in disease. Therefore, it has been classified as a Variant of Uncertain Significance. Algorithms developed to predict the effect of missense changes on protein structure and function are either unavailable or do not agree on the potential impact of this missense change (SIFT: "Deleterious"; PolyPhen-2: "Probably Damaging"; Align-GVGD: "Class C0"). This variant has not been reported in the literature in individuals with DIAPH3-related conditions. This variant is present in population databases (rs770509780, ExAC 0.008%). This sequence change replaces aspartic acid with tyrosine at codon 486 of the DIAPH3 protein (p.Asp486Tyr). The aspartic acid residue is moderately conserved and there is a large physicochemical difference between aspartic acid and tyrosine.

NM_001042517.2(DIAPH3):c.1456G>T (p.Asp486Tyr)

Gene: DIAPH3 (diaphanous related formin 3; minus strand). Cytogenetic location: 13q21.2.
Variant type: single nucleotide variant.
Coding change: c.1456G>T on transcript NM_001042517.2 (MANE Select); coding-DNA position 1456, G replaced by T.
Protein change: p.Asp486Tyr; replaces aspartic acid 486 with tyrosine.
Molecular consequence: missense variant.
Genome position (GRCh38, 1-based): chr13:59,983,793, C>A on the plus strand (G>T on the coding strand, the complement: DIAPH3 is on the minus strand). VCF-style: chr13-59983793-C-A. GRCh37 (hg19) VCF-style: chr13-60557927-C-A.
Other names: c.1423G>T, p.Asp475Tyr (NM_001258366.2); c.1318G>T, p.Asp440Tyr (NM_001258367.2); c.1246G>T, p.Asp416Tyr (NM_001258368.2); c.1456G>T, p.Asp486Tyr (NM_001258369.2); c.667G>T, p.Asp223Tyr (NM_001258370.2, NM_030932.4); short protein forms D223Y, D440Y, D416Y, D475Y, D486Y.
Identifiers: ClinVar variation 1498905 (VCV001498905.8), dbSNP rs770509780, ClinGen allele CA6996687.